The following is an entry in ClinVar:

NM_001243133.2(NLRP3):c.327C>T (p.Asp109=)

Gene: NLRP3 (NLR family pyrin domain containing 3; plus strand). Cytogenetic location: 1q44.
Variant type: single nucleotide variant.
Coding change: c.327C>T on transcript NM_001243133.2 (MANE Select); coding-DNA position 327, C replaced by T.
Protein change: p.Asp109=; no amino-acid change (aspartic acid 109 retained).
Molecular consequence: synonymous variant.
Genome position (GRCh38, 1-based): chr1:247,423,279, C>T. VCF-style: chr1-247423279-C-T. GRCh37 (hg19) VCF-style: chr1-247586581-C-T.
Other names: c.327C>T, p.Asp109= (NM_001079821.3, NM_001127461.3, NM_001127462.3 and 1 more transcripts); c.333C>T, p.Asp111= (NM_004895.5).
Identifiers: ClinVar variation 4697022 (VCV004697022.2).

ClinVar aggregate classification (germline): Likely benign. Review status: criteria provided, multiple submitters, no conflicts (2 of 4 stars). 2 submissions from 2 submitters: Likely benign (2). Last evaluated 2026-09-21.

Conditions:
Cryopyrin associated periodic syndrome (CAPS). Identifiers: Orphanet 208650, MedGen C2316212, MONDO:0016168.
NLRP3-related disorder. Also called: NLRP3-related condition; NLRP3-Related Disorders.

gnomAD v4.1: 5 of 1,613,716 alleles (0.00031%); highest among the groups gnomAD compares: Non-Finnish European, 0.00042%; no homozygotes.

Submissions (2):

PreventionGenetics, part of Exact Sciences
Classification: Likely benign for NLRP3-related condition. Last evaluated: 2026-09-21. Review status: criteria provided, single submitter. Criteria: ACMG Guidelines, 2015. Collection method: clinical testing. Allele origin: germline.
Comment: This variant is classified as likely benign based on ACMG/AMP sequence variant interpretation guidelines (Richards et al. 2015 PMID: 25741868, with internal and published modifications).

Labcorp Genetics (formerly Invitae), Labcorp
Classification: Likely benign for Cryopyrin associated periodic syndrome. Last evaluated: 2025-09-25. Review status: criteria provided, single submitter. Criteria: Invitae Variant Classification Sherloc (09022015). Collection method: clinical testing. Allele origin: germline.